The following is an entry in ClinVar:

ClinVar aggregate classification (germline): Conflicting classifications of pathogenicity. Review status: criteria provided, conflicting classifications (1 of 4 stars). 12 submissions from 12 submitters: Uncertain significance (9); Likely benign (2). 1 of the submissions does not count toward it. Last evaluated 2026-01-13.

Conditions:
ATM-related disorder. Also called: ATM-related disorders; ATM-related condition.
Hereditary cancer-predisposing syndrome. Also called: Neoplastic Syndromes, Hereditary; Tumor predisposition; Hereditary neoplastic syndrome; Hereditary Cancer Syndrome. Identifiers: Orphanet 140162, MedGen C0027672, MeSH D009386, MONDO:0015356.
Familial cancer of breast. Also called: Hereditary breast cancer; BREAST CANCER, FAMILIAL; hereditary breast carcinoma. Identifiers: Orphanet 227535, MedGen C0346153, MONDO:0016419, OMIM 114480. Disease mechanism: loss of function.
Ataxia-telangiectasia syndrome (AT). Also called: Cerebello-oculocutaneous telangiectasia; Immunodeficiency with ataxia telangiectasia; AT, COMPLEMENTATION GROUP C; LOUIS-BAR SYNDROME; Ataxia-telangiectasia, complementation group E; ATAXIA-TELANGIECTASIA, COMPLEMENTATION GROUP A. Identifiers: Orphanet 100, MedGen C0004135, MONDO:0008840, OMIM 208900.

Allele frequency attached by ClinVar (database versions not stated): TOPMed 0.00001; ExAC 0.00002; gnomAD 0.00002; gnomAD exomes 0.00002.
gnomAD v4.1: 30 of 1,613,878 alleles (0.0019%); highest among the groups gnomAD compares: Non-Finnish European, 0.0025%; no homozygotes.

Submissions (12):

Labcorp Genetics (formerly Invitae), Labcorp
Classification: Uncertain significance for Ataxia-telangiectasia syndrome. Last evaluated: 2026-01-13. Review status: criteria provided, single submitter. Criteria: Invitae Variant Classification Sherloc (09022015). Collection method: clinical testing. Allele origin: germline.
Comment: This sequence change replaces arginine, which is basic and polar, with lysine, which is basic and polar, at codon 1619 of the ATM protein (p.Arg1619Lys). This variant is present in population databases (rs730881393, gnomAD 0.006%). This missense change has been observed in individual(s) with clinical features of ATM-related conditions (PMID: 28843361, 28873162). ClinVar contains an entry for this variant (Variation ID: 181998). Invitae Evidence Modeling of protein sequence and biophysical properties (such as structural, functional, and spatial information, amino acid conservation, physicochemical variation, residue mobility, and thermodynamic stability) indicates that this missense variant is not expected to disrupt ATM protein function with a negative predictive value of 95%. In summary, the available evidence is currently insufficient to determine the role of this variant in disease. Therefore, it has been classified as a Variant of Uncertain Significance.

Color Diagnostics, LLC DBA Color Health
Classification: Likely benign for Hereditary cancer-predisposing syndrome. Last evaluated: 2025-11-10. Review status: criteria provided, single submitter. Criteria: ACMG Guidelines, 2015. Collection method: clinical testing. Allele origin: germline.

PreventionGenetics, part of Exact Sciences
Classification: Uncertain significance for ATM-related condition. Last evaluated: 2025-05-27. Review status: criteria provided, single submitter. Criteria: ACMG Guidelines, 2015. Collection method: clinical testing. Allele origin: germline.
Comment: The ATM c.4856G>A variant is predicted to result in the amino acid substitution p.Arg1619Lys. This variant was reported in individuals with melanoma (Table S2, Dalmasso et al. 2021. PubMed ID: 34262154) and advanced cancer (eTable, Mandelker et al. 2017. PubMed ID: 28873162). This variant is reported in 0.0054% of alleles in individuals of European (non-Finnish) descent in gnomAD and is interpreted as uncertain by multiple laboratories in ClinVar. At this time, the clinical significance of this variant is uncertain due to the absence of conclusive functional and genetic evidence.

Ambry Genetics
Classification: Likely benign for Hereditary cancer-predisposing syndrome. Last evaluated: 2024-10-21. Review status: criteria provided, single submitter. Criteria: Ambry Variant Classification Scheme 2023. Collection method: clinical testing. Allele origin: germline.

GeneDx
Classification: Uncertain significance. Last evaluated: 2024-09-16. Review status: criteria provided, single submitter. Criteria: GeneDx Variant Classification Process June 2021. Collection method: clinical testing. Allele origin: germline. Affected: yes.
Comment: Not observed at significant frequency in large population cohorts (gnomAD); In silico analysis supports that this missense variant does not alter protein structure/function; Observed in an individual with melanoma (PMID: 34262154); This variant is associated with the following publications: (PMID: 28843361, 34262154, 28873162)

Mayo Clinic Laboratories, Mayo Clinic
Classification: Uncertain significance. Last evaluated: 2024-07-10. Review status: criteria provided, single submitter. Criteria: ACMG Guidelines, 2015. Collection method: clinical testing. Allele origin: germline. Observed: 1 variant allele.
Comment: BP4, PM2

Baylor Genetics
Classification: Uncertain significance for Familial cancer of breast. Last evaluated: 2024-03-17. Review status: criteria provided, single submitter. Criteria: ACMG Guidelines, 2015. Collection method: clinical testing. Allele origin: unknown.

Blueprint Genetics
Classification: Uncertain significance. Last evaluated: 2023-11-23. Review status: criteria provided, single submitter. Criteria: ACMG Guidelines, 2015. Collection method: clinical testing. Allele origin: germline.

Athena Diagnostics
Classification: Uncertain significance. Last evaluated: 2022-06-07. Review status: criteria provided, single submitter. Criteria: Athena Diagnostics Criteria. Collection method: clinical testing. Allele origin: unknown.

Quest Diagnostics Nichols Institute San Juan Capistrano
Classification: Uncertain significance. Last evaluated: 2022-06-07. Review status: criteria provided, single submitter. Criteria: Quest Diagnostics criteria. Collection method: clinical testing. Allele origin: unknown.
Comment: In the published literature, the variant has been reported in a cohort of individuals with advanced cancer (PMID: 28873162 (2017)). It has also been reported as a somatic variant detected in a lung adenocarcinoma tumor sample (PMID: 28843361 (2017)). The frequency of this variant in the general population, 0.000054 (7/129086 chromosomes), is uninformative in assessment of its pathogenicity. Analysis of this variant using bioinformatics tools for the prediction of the effect of amino acid changes on protein structure and function yielded predictions that this variant is benign. Based on the available information, we are unable to determine the clinical significance of this variant.

Women's Health and Genetics/Laboratory Corporation of America, LabCorp
Classification: Uncertain significance. Last evaluated: 2019-11-01. Review status: criteria provided, single submitter. Criteria: LabCorp Variant Classification Summary - May 2015. Collection method: clinical testing. Allele origin: germline.
Comment: Variant summary: ATM c.4856G>A (p.Arg1619Lys) results in a conservative amino acid change in the encoded protein sequence. Five of five in-silico tools predict a benign effect of the variant on protein function. The variant allele was found at a frequency of 2.4e-05 in 251342 control chromosomes (gnomAD). The available data on variant occurrences in the general population are insufficient to allow any conclusion about variant significance. c.4856G>A has been reported in the literature in individuals affected with cancer, including lung cancer (Mandelker_2017, Parry_2017). These reports do not provide unequivocal conclusions about association of the variant with Breast Cancer. To our knowledge, no experimental evidence demonstrating an impact on protein function has been reported. Four ClinVar submitters (evaluation after 2014) cite the variant as uncertain significance. Based on the evidence outlined above, the variant was classified as uncertain significance.

Natera, Inc.
Classification: Uncertain significance for Ataxia-telangiectasia. Last evaluated: 2021-04-14. Review status: no assertion criteria provided. Collection method: clinical testing. Allele origin: germline. Not counted in ClinVar's aggregate classification.

Literature cited by the submitters: PubMed 28843361 (cited by 4 submitters); PubMed 28873162 (cited by 4 submitters).

NM_000051.4(ATM):c.4856G>A (p.Arg1619Lys)

Gene: ATM (ATM serine/threonine kinase; plus strand). Cytogenetic location: 11q22.3.
Variant type: single nucleotide variant.
Coding change: c.4856G>A on transcript NM_000051.4 (MANE Select); coding-DNA position 4856, G replaced by A.
Protein change: p.Arg1619Lys; replaces arginine 1619 with lysine.
Molecular consequence: missense variant.
Genome position (GRCh38, 1-based): chr11:108,295,006, G>A. VCF-style: chr11-108295006-G-A. GRCh37 (hg19) VCF-style: chr11-108165733-G-A.
Other names: p.R1619K:AGA>AAA; p.Arg1619Lys; c.4856G>A, p.Arg1619Lys (NM_001351834.2); short protein forms R1619K.
Identifiers: ClinVar variation 181998 (VCV000181998.38), dbSNP rs730881393, ClinGen allele CA298362.